The following is an entry in ClinVar:

NM_000138.5(FBN1):c.4741_4747+7del

Gene: FBN1 (fibrillin 1; minus strand). Cytogenetic location: 15q21.1.
Variant type: Deletion.
Coding change: c.4741_4747+7del on transcript NM_000138.5 (MANE Select); coding-DNA position 4741 through 7 bases into the intron after coding-DNA position 4747, 14 bases deleted (AACACATGTAAGTG).
Molecular consequence: splice donor variant.
Genome position (GRCh38, 1-based): chr15:48,467,931-48,467,944, CACTTACATGTGTT deleted on the plus strand (AACACATGTAAGTG on the coding strand, the reverse complement: FBN1 is on the minus strand); deleting any 14 consecutive bases within chr15:48,467,931-48,467,947 gives the same sequence; the c. name uses the placement nearest the transcript's 3' end. VCF-style (leftmost placement, unchanged base first): chr15-48467930-CCACTTACATGTGTT-C. GRCh37 (hg19) VCF-style: chr15-48760127-CCACTTACATGTGTT-C.
Other names: c.4741_4747+7del (NM_001406716.1).
Identifiers: ClinVar variation 2948688 (VCV002948688.3), dbSNP rs2505501369, ClinGen allele CA2740096586.

ClinVar aggregate classification (germline): Likely pathogenic (1 of 4 stars; one submission).

Conditions:
Marfan syndrome (MFS). Also called: MARFAN SYNDROME, TYPE I; Marfan syndrome type 1; Marfan's syndrome; Marfan syndrome, classic; FBN1-Related Marfan Syndrome. Identifiers: Orphanet 284963, Orphanet 558, MedGen C0024796, MONDO:0007947, OMIM 154700.
Familial thoracic aortic aneurysm and aortic dissection (TAAD). Also called: Thoracic aortic aneurysms and dissections. Identifiers: Orphanet 91387, MedGen C4707243, MONDO:0019625.

Submission:

Labcorp Genetics (formerly Invitae), Labcorp
Classification: Likely pathogenic for Marfan syndrome; Familial thoracic aortic aneurysm and aortic dissection. Last evaluated: 2023-06-09. Review status: criteria provided, single submitter. Criteria: Invitae Variant Classification Sherloc (09022015). Collection method: clinical testing. Allele origin: germline.
Comment: This variant is not present in population databases (gnomAD no frequency). This variant results in the deletion of part of exon 38 and part of intron 38 of the FBN1 gene. It is expected to disrupt RNA splicing. Variants that disrupt the donor or acceptor splice site typically lead to a loss of protein function (PMID: 16199547), and loss-of-function variants in FBN1 are known to be pathogenic (PMID: 17657824, 19293843). This variant has been observed in individual(s) with Marfan syndrome (Invitae). In summary, the currently available evidence indicates that the variant is pathogenic, but additional data are needed to prove that conclusively. Therefore, this variant has been classified as Likely Pathogenic. Algorithms developed to predict the effect of sequence changes on RNA splicing suggest that this variant may disrupt the consensus splice site.

Literature cited by the submitters: PubMed 16199547; PubMed 17657824; PubMed 19293843.